The following is an entry in ClinVar:

NM_000414.4(HSD17B4):c.739T>C (p.Leu247=)

Gene: HSD17B4 (hydroxysteroid 17-beta dehydrogenase 4; plus strand). Cytogenetic location: 5q23.1.
Variant type: single nucleotide variant.
Coding change: c.739T>C on transcript NM_000414.4 (MANE Select); coding-DNA position 739, T replaced by C.
Protein change: p.Leu247=; no amino-acid change (leucine 247 retained).
Molecular consequence: synonymous variant. On other transcripts: non-coding transcript variant (2).
Genome position (GRCh38, 1-based): chr5:119,492,124, T>C. VCF-style: chr5-119492124-T-C. GRCh37 (hg19) VCF-style: chr5-118827819-T-C.
Other names: c.814T>C, p.Leu272= (NM_001199291.3); c.685T>C, p.Leu229= (NM_001199292.2); c.667T>C, p.Leu223= (NM_001292027.2); c.319T>C, p.Leu107= (NM_001292028.2); c.730T>C, p.Leu244= (NM_001374497.1); c.739T>C, p.Leu247= (NM_001374498.1); c.412T>C, p.Leu138= (NM_001374499.1); c.298T>C, p.Leu100= (NM_001374500.1); and 1 more.
Identifiers: ClinVar variation 4995052 (VCV004995052.1).

ClinVar aggregate classification (germline): Likely benign (1 of 4 stars; one submission).

Conditions:
HSD17B4-related disorder. Also called: HSD17B4-related condition; HSD17B4-related disorders.

gnomAD v4.1: 1 of 1,605,940 alleles (0.000062%); highest among the groups gnomAD compares: Non-Finnish European, 0.000085%; no homozygotes.

Submission:

PreventionGenetics, part of Exact Sciences
Classification: Likely benign for HSD17B4-related condition. Last evaluated: 2026-03-27. Review status: criteria provided, single submitter. Criteria: ACMG Guidelines, 2015. Collection method: clinical testing. Allele origin: germline.
Comment: This variant is classified as likely benign based on ACMG/AMP sequence variant interpretation guidelines (Richards et al. 2015 PMID: 25741868, with internal and published modifications).